The following is an entry in ClinVar:

ClinVar aggregate classification (germline): Benign/Likely benign. Review status: criteria provided, multiple submitters, no conflicts (2 of 4 stars). 7 submissions from 7 submitters: Benign (4); Likely benign (2). 1 of the submissions does not count toward it. Last evaluated 2026-02-02.

Conditions:
AKAP9-related disorder. Also called: AKAP9-related condition.
Long QT syndrome 11 (LQT11). Identifiers: Orphanet 101016, Orphanet 768, MedGen C2678483, MONDO:0012738, OMIM 611820.
Long QT syndrome (LQTS). Identifiers: MedGen C0023976, MeSH D008133, MONDO:0002442. Disease mechanism: loss of function. Inheritance: Various modes of inheritance.
Cardiovascular phenotype. Identifiers: MedGen CN230736.

Allele frequency attached by ClinVar (database versions not stated): gnomAD exomes 0.00025 and 0.00072; ExAC 0.00092; gnomAD 0.00261 and 0.00279; TOPMed 0.00270; 1000 Genomes Project 0.00379; ESP Exome Variant Server 0.00384; 1000 Genomes Project 30x 0.00453.
gnomAD v4.1: 783 of 1,613,298 alleles (0.049%); highest among the groups gnomAD compares: African/African-American, 0.93%; 2 homozygotes.

Submissions (7):

Labcorp Genetics (formerly Invitae), Labcorp
Classification: Benign for Long QT syndrome. Last evaluated: 2026-02-02. Review status: criteria provided, single submitter. Criteria: Invitae Variant Classification Sherloc (09022015). Collection method: clinical testing. Allele origin: germline.

Blueprint Genetics
Classification: Likely benign. Last evaluated: 2024-11-06. Review status: criteria provided, single submitter. Criteria: ACMG Guidelines, 2015. Collection method: clinical testing. Allele origin: germline.

Women's Health and Genetics/Laboratory Corporation of America, LabCorp
Classification: Likely benign. Last evaluated: 2022-01-15. Review status: criteria provided, single submitter. Criteria: LabCorp Variant Classification Summary - May 2015. Collection method: clinical testing. Allele origin: germline.

Genome-Nilou Lab
Classification: Benign for Long QT syndrome 11. Last evaluated: 2021-12-05. Review status: criteria provided, single submitter. Criteria: ACMG Guidelines, 2015. Collection method: clinical testing. Allele origin: germline. Affected: no.

Ambry Genetics
Classification: Benign for Cardiovascular phenotype. Last evaluated: 2018-11-07. Review status: criteria provided, single submitter. Criteria: Ambry Variant Classification Scheme 2023. Collection method: clinical testing. Allele origin: germline.

GeneDx
Classification: Benign. Last evaluated: 2015-03-03. Review status: criteria provided, single submitter. Criteria: GeneDx Variant Classification Process June 2021. Collection method: clinical testing. Allele origin: germline. Affected: yes.
Comment: This variant is associated with the following publications: (PMID: 29350269)

PreventionGenetics, part of Exact Sciences
Classification: Benign for AKAP9-related condition. Last evaluated: 2019-11-14. Review status: no assertion criteria provided. Collection method: clinical testing. Allele origin: germline. Not counted in ClinVar's aggregate classification.
Comment: This variant is classified as benign based on ACMG/AMP sequence variant interpretation guidelines (Richards et al. 2015 PMID: 25741868, with internal and published modifications).

Literature cited by the submitters: PubMed 29350269 (cited by Ambry Genetics).

NM_005751.5(AKAP9):c.6134A>G (p.Asn2045Ser)

Gene: AKAP9 (A-kinase anchoring protein 9; plus strand). Cytogenetic location: 7q21.2.
Variant type: single nucleotide variant.
Coding change: c.6134A>G on transcript NM_005751.5 (MANE Select); coding-DNA position 6134, A replaced by G.
Protein change: p.Asn2045Ser; replaces asparagine 2045 with serine.
Molecular consequence: missense variant.
Genome position (GRCh38, 1-based): chr7:92,065,387, A>G. VCF-style: chr7-92065387-A-G. GRCh37 (hg19) VCF-style: chr7-91694701-A-G.
Other names: c.779A>G, p.Asn260Ser (NM_001379277.1); c.6134A>G, p.Asn2045Ser (NM_147185.3); short protein forms N2045S, N260S.
Identifiers: ClinVar variation 417031 (VCV000417031.22), dbSNP rs139963188, ClinGen allele CA4337001.